The following is an entry in ClinVar:

NM_004320.6(ATP2A1):c.2285G>A (p.Arg762His)

Gene: ATP2A1 (ATPase sarcoplasmic/endoplasmic reticulum Ca2+ transporting 1; plus strand). Cytogenetic location: 16p11.2.
Variant type: single nucleotide variant.
Coding change: c.2285G>A on transcript NM_004320.6 (MANE Select); coding-DNA position 2285, G replaced by A.
Protein change: p.Arg762His; replaces arginine 762 with histidine.
Molecular consequence: missense variant.
Genome position (GRCh38, 1-based): chr16:28,902,047, G>A. VCF-style: chr16-28902047-G-A. GRCh37 (hg19) VCF-style: chr16-28913368-G-A.
Other names: c.1910G>A, p.Arg637His (NM_001286075.2); c.2285G>A, p.Arg762His (NM_173201.5); short protein forms R762H, R637H.
Identifiers: ClinVar variation 318784 (VCV000318784.6), dbSNP rs886051882, ClinGen allele CA10637516.

ClinVar aggregate classification (germline): Uncertain significance. Review status: criteria provided, multiple submitters, no conflicts (2 of 4 stars). 2 submissions from 2 submitters: Uncertain significance (2). Last evaluated 2026-03-03.

Conditions:
Brody myopathy. Also called: BRODY DISEASE. Identifiers: Orphanet 53347, MedGen C1832918, MONDO:0010977, OMIM 601003.

Allele frequency attached by ClinVar (database versions not stated): gnomAD exomes 0.00001; TOPMed 0.00002.
gnomAD v4.1: 12 of 1,614,212 alleles (0.00074%); highest among the groups gnomAD compares: Admixed American, 0.0017%; no homozygotes.

Submissions (2):

GeneDx
Classification: Uncertain significance. Last evaluated: 2026-03-03. Review status: criteria provided, single submitter. Criteria: GeneDx Variant Classification Process June 2021. Collection method: clinical testing. Allele origin: germline.
Comment: In silico analysis supports that this missense variant has a deleterious effect on protein structure/function; Has not been previously published as pathogenic or benign to our knowledge

Illumina Laboratory Services, Illumina
Classification: Uncertain significance for Brody myopathy. Last evaluated: 2018-01-13. Review status: criteria provided, single submitter. Criteria: ICSL Variant Classification Criteria 13 December 2019. Collection method: clinical testing. Allele origin: germline.